The following is an entry in ClinVar:

NM_012469.4(PRPF6):c.190C>A (p.Gln64Lys)

Gene: PRPF6 (pre-mRNA processing factor 6; plus strand). Cytogenetic location: 20q13.33.
Variant type: single nucleotide variant.
Coding change: c.190C>A on transcript NM_012469.4 (MANE Select); coding-DNA position 190, C replaced by A.
Protein change: p.Gln64Lys; replaces glutamine 64 with lysine.
Molecular consequence: missense variant.
Genome position (GRCh38, 1-based): chr20:63,983,165, C>A. VCF-style: chr20-63983165-C-A. GRCh37 (hg19) VCF-style: chr20-62614518-C-A.
Other names: short protein forms Q64K.
Identifiers: ClinVar variation 2016322 (VCV002016322.4), dbSNP rs2517605383, ClinGen allele CA409797502.

ClinVar aggregate classification (germline): Uncertain significance (1 of 4 stars; one submission).

Submission:

Labcorp Genetics (formerly Invitae), Labcorp
Classification: Uncertain significance. Last evaluated: 2024-12-16. Review status: criteria provided, single submitter. Criteria: Invitae Variant Classification Sherloc (09022015). Collection method: clinical testing. Allele origin: germline.
Comment: This sequence change replaces glutamine, which is neutral and polar, with lysine, which is basic and polar, at codon 64 of the PRPF6 protein (p.Gln64Lys). This variant is not present in population databases (gnomAD no frequency). This variant has not been reported in the literature in individuals affected with PRPF6-related conditions. ClinVar contains an entry for this variant (Variation ID: 2016322). Invitae Evidence Modeling of protein sequence and biophysical properties (such as structural, functional, and spatial information, amino acid conservation, physicochemical variation, residue mobility, and thermodynamic stability) indicates that this missense variant is not expected to disrupt PRPF6 protein function with a negative predictive value of 80%. In summary, the available evidence is currently insufficient to determine the role of this variant in disease. Therefore, it has been classified as a Variant of Uncertain Significance.